The following is an entry in ClinVar:

NM_007254.4(PNKP):c.1448+13A>G

Gene: PNKP (polynucleotide kinase 3'-phosphatase; minus strand). Cytogenetic location: 19q13.33.
Variant type: single nucleotide variant.
Coding change: c.1448+13A>G on transcript NM_007254.4 (MANE Select); 13 bases into the intron after coding-DNA position 1448, A replaced by G.
Molecular consequence: intron variant.
Genome position (GRCh38, 1-based): chr19:49,861,436, T>C on the plus strand (A>G on the coding strand, the complement: PNKP is on the minus strand). VCF-style: chr19-49861436-T-C. GRCh37 (hg19) VCF-style: chr19-50364693-T-C.
Identifiers: ClinVar variation 378401 (VCV000378401.6), dbSNP rs748882543, ClinGen allele CA9586366.

ClinVar aggregate classification (germline): Likely benign. Review status: criteria provided, multiple submitters, no conflicts (2 of 4 stars). 2 submissions from 2 submitters: Likely benign (2). Last evaluated 2025-12-16.

Conditions:
Developmental and epileptic encephalopathy, 12 (DEE12). Identifiers: MedGen C3150988, MONDO:0013389, OMIM 613722.

Allele frequency attached by ClinVar (database versions not stated): gnomAD exomes 0.00001; ExAC 0.00002; gnomAD 0.00012 and 0.00014; TOPMed 0.00016.
gnomAD v4.1: 31 of 1,613,758 alleles (0.0019%); highest among the groups gnomAD compares: African/African-American, 0.033%; no homozygotes.

Submissions (2):

Labcorp Genetics (formerly Invitae), Labcorp
Classification: Likely benign for Developmental and epileptic encephalopathy, 12. Last evaluated: 2025-12-16. Review status: criteria provided, single submitter. Criteria: Invitae Variant Classification Sherloc (09022015). Collection method: clinical testing. Allele origin: germline.

GeneDx
Classification: Likely benign. Last evaluated: 2017-12-14. Review status: criteria provided, single submitter. Criteria: GeneDx Variant Classification (06012015). Collection method: clinical testing. Allele origin: germline. Affected: yes.
Comment: This variant is considered likely benign or benign based on one or more of the following criteria: it is a conservative change, it occurs at a poorly conserved position in the protein, it is predicted to be benign by multiple in silico algorithms, and/or has population frequency not consistent with disease.